The following is an entry in ClinVar:

ClinVar aggregate classification (germline): Uncertain significance (1 of 4 stars; one submission).

gnomAD v4.1: 11 of 1,613,774 alleles (0.00068%); highest among the groups gnomAD compares: Non-Finnish European, 0.00085%; no homozygotes.

Submission:

Labcorp Genetics (formerly Invitae), Labcorp
Classification: Uncertain significance. Last evaluated: 2022-08-16. Review status: criteria provided, single submitter. Criteria: Invitae Variant Classification Sherloc (09022015). Collection method: clinical testing. Allele origin: germline.
Comment: In summary, the available evidence is currently insufficient to determine the role of this variant in disease. Therefore, it has been classified as a Variant of Uncertain Significance. Algorithms developed to predict the effect of missense changes on protein structure and function (SIFT, PolyPhen-2, Align-GVGD) all suggest that this variant is likely to be disruptive. This variant has not been reported in the literature in individuals affected with KIF1BP-related conditions. This variant is present in population databases (no rsID available, gnomAD 0.002%). This sequence change replaces tyrosine, which is neutral and polar, with asparagine, which is neutral and polar, at codon 260 of the KIF1BP protein (p.Tyr260Asn).

NM_015634.4(KIFBP):c.778T>A (p.Tyr260Asn)

Gene: KIFBP (kinesin family binding protein; plus strand). Cytogenetic location: 10q22.1.
Variant type: single nucleotide variant.
Coding change: c.778T>A on transcript NM_015634.4 (MANE Select); coding-DNA position 778, T replaced by A.
Protein change: p.Tyr260Asn; replaces tyrosine 260 with asparagine.
Molecular consequence: missense variant.
Genome position (GRCh38, 1-based): chr10:69,005,904, T>A. VCF-style: chr10-69005904-T-A. GRCh37 (hg19) VCF-style: chr10-70765660-T-A.
Other names: short protein forms Y260N.
Identifiers: ClinVar variation 2140192 (VCV002140192.4), dbSNP rs572485003, ClinGen allele CA376897023.